The following is an entry in ClinVar:

NM_000212.3(ITGB3):c.1702T>C (p.Cys568Arg)

Gene: ITGB3 (integrin subunit beta 3; plus strand). Cytogenetic location: 17q21.32.
Variant type: single nucleotide variant.
Coding change: c.1702T>C on transcript NM_000212.3 (MANE Select); coding-DNA position 1702, T replaced by C.
Protein change: p.Cys568Arg; replaces cysteine 568 with arginine.
Molecular consequence: missense variant.
Genome position (GRCh38, 1-based): chr17:47,299,319, T>C. VCF-style: chr17-47299319-T-C. GRCh37 (hg19) VCF-style: chr17-45376685-T-C.
Other names: short protein forms C568R.
Identifiers: ClinVar variation 953008 (VCV000953008.5), dbSNP rs2065157102, ClinGen allele CA400032350.

ClinVar aggregate classification (germline): Likely pathogenic (3 of 4 stars; one submission).

Conditions:
Glanzmann thrombasthenia. Also called: THROMBASTHENIA OF GLANZMANN AND NAEGELI; Thrombasthenia; Glanzmann's thrombasthenia; PLATELET GLYCOPROTEIN IIb-IIIa DEFICIENCY. Identifiers: Orphanet 849, MedGen C0040015, MONDO:0100326.

Submission:

ClinGen Platelet Disorders Variant Curation Expert Panel, ClinGen
Classification: Likely pathogenic for Glanzmann thrombasthenia. Last evaluated: 2026-03-17. Review status: reviewed by expert panel. Criteria: ClinGen Platelet ACMG Specifications v2-1. Collection method: curation. Allele origin: germline. Inheritance: Autosomal recessive inheritance.
Comment: The NM_000212.3(ITGB3):c.1702T>C variant that results in the Cys568Arg amino acid change is reported homozygous in one individual in the literature (PMID: 10233432), meeting PP4_moderate criteria with mucocutaneous bleeding and absent aggregation with ADP, collagen, arachidonic acid but normal aggregation with ristocetin. Additionally, flow cytometry revealed minor amounts to absent GPIIb–IIIa complexes and Western blot confirmed trace amounts of GPIIb and IIIa. It is absent in gnomADv4.1 (PM2_supporting) and is predicted damaging by in-silico tools (REVEL score of 0.977; PP3). Experimental evidence shows reduced surface expression and defects in the maturation of GPIIb-IIIa complex (PMID: 12152649; PS3_moderate). In summary, this variant meets the criteria to be classified as Likely Pathogenic for autosomal recessive Glanzmann Thrombasthenia based on the ACMG/AMP criteria applied, as specified by the ClinGen PD VCEP: PP4_moderate, PM2_supporting, PM3, PP3 (VCEP specifications version 2).

Literature cited by the submitters: PubMed 12152649; PubMed 10233432.